The following is an entry in ClinVar:

NM_001009944.3(PKD1):c.288-6_288-5del

Gene: PKD1 (polycystin 1, transient receptor potential channel interacting; minus strand). Cytogenetic location: 16p13.3.
Variant type: Deletion.
Coding change: c.288-6_288-5del on transcript NM_001009944.3 (MANE Select); 6 bases into the intron before coding-DNA position 288 through 5 bases into the intron before coding-DNA position 288, 2 bases deleted (TT; older notation c.288-6_288-5delTT).
Molecular consequence: intron variant.
Genome position (GRCh38, 1-based): chr16:2,119,190-2,119,191, AA deleted on the plus strand (TT on the coding strand, the reverse complement: PKD1 is on the minus strand). VCF-style (leftmost placement, unchanged base first): chr16-2119189-GAA-G. GRCh37 (hg19) VCF-style: chr16-2169190-GAA-G.
Other names: c.288-6_288-5del (NM_000296.4).
Identifiers: ClinVar variation 997273 (VCV000997273.1), dbSNP rs2092684439, ClinGen allele CA2202052710.

ClinVar aggregate classification (germline): Uncertain significance (0 of 4 stars; one submission).

Conditions:
Polycystic kidney disease. Also called: Polycystic kidney dysplasia; Kidney, Polycystic. Identifiers: MedGen C0022680, MeSH D007690, MONDO:0020642, HP:0000113.

Submission:

Department of Pathology and Laboratory Medicine, Sinai Health System
Classification: Uncertain significance for Polycystic Kidney disease. Review status: no assertion criteria provided. Collection method: clinical testing. Allele origin: unknown. Affected: yes. Study: The Canadian Open Genetics Repository (COGR).
Comment: The PKD1 c.288-6_288-5del variant was not identified in the literature nor was it identified in the following databases: dbSNP, ClinVar, COGR, LOVD 3.0, ADPKD Mutation Database, PKD1-LOVD, the 1000 Genomes Project, the NHLBI GO Exome Sequencing Project, the Exome Aggregation Consortium (August 8th 2016), or the Genome Aggregation Database (Feb 27, 2017). The c.288-6_288-5del variant is located in the 3' splice region but does not affect the invariant -1 and -2 positions. However, positions -3 and -5 to -12 are part of the splicing consensus sequence and variants involving these positions sometimes affect splicing. In addition, 3 of 4 in silico or computational prediction software programs (SpliceSiteFinder, MaxEntScan, NNSPLICE, GeneSplicer) predict a greater than 10% difference in splicing. In summary, based on the above information the clinical significance of this variant cannot be determined with certainty at this time. This variant is classified as a variant of uncertain significance.